The following is an entry in ClinVar:

ClinVar aggregate classification (germline): Pathogenic (1 of 4 stars; one submission).

Conditions:
Developmental and epileptic encephalopathy, 27 (DEE27). Also called: Epileptic encephalopathy, early infantile, 27; GRIN2B-Related Neurodevelopmental Disorder. Identifiers: Orphanet 3451, MedGen C4015316, MONDO:0014505, OMIM 616139.
Intellectual developmental disorder, autosomal dominant 6, with or without seizures. Also called: Intellectual disability, autosomal dominant 6; GRIN2B-related developmental delay, intellectual disability and autism spectrum disorder. Identifiers: Orphanet 589547, MedGen C3151411, MONDO:0013509, OMIM 613970.

Submission:

Labcorp Genetics (formerly Invitae), Labcorp
Classification: Pathogenic for Developmental and epileptic encephalopathy, 27; Intellectual developmental disorder, autosomal dominant 6, with or without seizures. Last evaluated: 2025-02-24. Review status: criteria provided, single submitter. Criteria: Invitae Variant Classification Sherloc (09022015). Collection method: clinical testing. Allele origin: germline.
Comment: This sequence change creates a premature translational stop signal (p.Gln782*) in the GRIN2B gene. It is expected to result in an absent or disrupted protein product. Loss-of-function variants in GRIN2B are known to be pathogenic (PMID: 28377535). This variant is not present in population databases (gnomAD no frequency). This variant has not been reported in the literature in individuals affected with GRIN2B-related conditions. For these reasons, this variant has been classified as Pathogenic.

Literature cited by the submitters: PubMed 28377535.

NM_000834.5(GRIN2B):c.2344C>T (p.Gln782Ter)

Gene: GRIN2B (glutamate ionotropic receptor NMDA type subunit 2B; minus strand). Cytogenetic location: 12p13.1.
Variant type: single nucleotide variant.
Coding change: c.2344C>T on transcript NM_000834.5 (MANE Select); coding-DNA position 2344, C replaced by T.
Protein change: p.Gln782Ter; replaces glutamine 782 with a stop codon.
Molecular consequence: nonsense.
Genome position (GRCh38, 1-based): chr12:13,569,845, G>A on the plus strand (C>T on the coding strand, the complement: GRIN2B is on the minus strand). VCF-style: chr12-13569845-G-A. GRCh37 (hg19) VCF-style: chr12-13722779-G-A.
Other names: c.2344C>T, p.Gln782Ter (NM_001413992.1); short protein forms Q782*.
Identifiers: ClinVar variation 3756833 (VCV003756833.2).